The following is an entry in ClinVar:

NM_001854.4(COL11A1):c.2156_2157insT (p.Lys719fs)

Gene: COL11A1 (collagen type XI alpha 1 chain; minus strand). Cytogenetic location: 1p21.1.
Variant type: Insertion.
Coding change: c.2156_2157insT on transcript NM_001854.4 (MANE Select); coding-DNA positions 2156 to 2157, T inserted.
Protein change: p.Lys719fs; shifts the reading frame from lysine 719.
Molecular consequence: frameshift variant. On other transcripts: non-coding transcript variant (1).
Genome position: GRCh38 VCF-style: chr1-102998349-T-TA. GRCh37 (hg19) VCF-style: chr1-103463905-T-TA.
Other names: c.2039_2040insT, p.Lys680fs (NM_001190709.2); c.2192_2193insT, p.Lys731fs (NM_080629.3); c.1808_1809insT, p.Lys603fs (NM_080630.4); short protein forms K603fs, K680fs, K731fs, K719fs.
Identifiers: ClinVar variation 1458694 (VCV001458694.6), dbSNP rs1274185001, ClinGen allele CA524901799.

ClinVar aggregate classification (germline): Pathogenic (1 of 4 stars; one submission).

Allele frequency attached by ClinVar (database versions not stated): gnomAD exomes below 0.00001.

Submission:

Labcorp Genetics (formerly Invitae), Labcorp
Classification: Pathogenic. Last evaluated: 2023-08-14. Review status: criteria provided, single submitter. Criteria: Invitae Variant Classification Sherloc (09022015). Collection method: clinical testing. Allele origin: germline.
Comment: This variant is present in population databases (no rsID available, gnomAD 0.003%). This sequence change creates a premature translational stop signal (p.Lys719Asnfs*11) in the COL11A1 gene. It is expected to result in an absent or disrupted protein product. Loss-of-function variants in COL11A1 are known to be pathogenic (PMID: 20513134, 21035103, 23922384, 25240749, 32427345, 32756486). This variant has not been reported in the literature in individuals affected with COL11A1-related conditions. ClinVar contains an entry for this variant (Variation ID: 1458694). For these reasons, this variant has been classified as Pathogenic.

Literature cited by the submitters: PubMed 20513134; PubMed 21035103; PubMed 23922384; PubMed 25240749; PubMed 32427345; PubMed 32756486.